The following is an entry in ClinVar:

NM_002474.3(MYH11):c.2180+1G>T

Gene: MYH11 (myosin heavy chain 11; minus strand). Cytogenetic location: 16p13.11.
Variant type: single nucleotide variant.
Coding change: c.2180+1G>T on transcript NM_002474.3 (MANE Select); the canonical splice donor site of the intron after coding-DNA position 2180, G replaced by T.
Molecular consequence: splice donor variant.
Genome position (GRCh38, 1-based): chr16:15,748,046, C>A on the plus strand (G>T on the coding strand, the complement: MYH11 is on the minus strand). VCF-style: chr16-15748046-C-A. GRCh37 (hg19) VCF-style: chr16-15841903-C-A.
Other names: c.2180+1G>T (NM_022844.3); c.2201+1G>T (NM_001040114.2, NM_001040113.2).
Identifiers: ClinVar variation 1318910 (VCV001318910.3), dbSNP rs2151260748, ClinGen allele CA394867910.

ClinVar aggregate classification (germline): Uncertain significance. Review status: criteria provided, multiple submitters, no conflicts (2 of 4 stars). 2 submissions from 2 submitters: Uncertain significance (2). Last evaluated 2024-03-14.

Conditions:
Familial thoracic aortic aneurysm and aortic dissection (TAAD). Also called: Thoracic aortic aneurysms and dissections. Identifiers: Orphanet 91387, MedGen C4707243, MONDO:0019625.

gnomAD v4.1: 3 of 1,614,212 alleles (0.00019%); highest among the groups gnomAD compares: Non-Finnish European, 0.00025%; no homozygotes.

Submissions (2):

All of Us Research Program, National Institutes of Health
Classification: Uncertain significance for Familial thoracic aortic aneurysm and aortic dissection. Last evaluated: 2024-03-14. Review status: criteria provided, single submitter. Criteria: ACMG Guidelines, 2015. Collection method: clinical testing. Allele origin: germline. Inheritance: Autosomal dominant inheritance. Observed: 1 variant allele, 1 heterozygote.
Comment: This variant causes a G>T nucleotide substitution at the +1 position of intron 18 of the MYH11 gene. Splice site prediction tools suggest that this variant may have a significant impact on RNA splicing. Although this prediction has not been confirmed in published RNA studies, this variant is expected to result in an absent or disrupted protein product. This variant has not been reported in individuals affected with MYH11-related disorders in the literature. This variant has not been identified in the general population by the Genome Aggregation Database (gnomAD). Clinical relevance of loss-of-function MYH11 truncation and splice site variants in autosomal dominant cardiovascular disorders is not clearly established. The available evidence is insufficient to determine the role of this variant in disease conclusively. Therefore, this variant is classified as a Variant of Uncertain Significance.

This study involves interpretation of variants in research participants for the purpose of population health screening. Participant phenotype was not available at the time of variant classification. Additional details can be found in publication PMID: 35346344, PMCID: PMC8962531

GeneDx
Classification: Uncertain significance. Last evaluated: 2019-09-10. Review status: criteria provided, single submitter. Criteria: GeneDx Variant Classification Process June 2021. Collection method: clinical testing. Allele origin: germline. Affected: yes.
Comment: Not observed in large population cohorts (Lek et al., 2016); Canonical splice site variant in a gene for which loss-of-function is not a known mechanism of disease; Has not been previously published as pathogenic or benign to our knowledge